The following is an entry in ClinVar:

ClinVar aggregate classification (germline): Uncertain significance (1 of 4 stars; one submission).

gnomAD v4.1: 1 of 1,613,338 alleles (0.000062%); highest among the groups gnomAD compares: Non-Finnish European, 0.000085%; no homozygotes.

Submission:

Ambry Genetics
Classification: Uncertain significance. Last evaluated: 2025-01-09. Review status: criteria provided, single submitter. Criteria: Ambry Variant Classification Scheme 2023. Collection method: clinical testing. Allele origin: germline.
Comment: The p.K500R variant (also known as c.1499A>G), located in coding exon 15 of the SRP72 gene, results from an A to G substitution at nucleotide position 1499. The lysine at codon 500 is replaced by arginine, an amino acid with highly similar properties. This amino acid position is conserved. In addition, the in silico prediction for this alteration is inconclusive. Based on the available evidence, the clinical significance of this variant remains unclear.

NM_006947.4(SRP72):c.1499A>G (p.Lys500Arg)

Gene: SRP72 (signal recognition particle 72; plus strand). Cytogenetic location: 4q12.
Variant type: single nucleotide variant.
Coding change: c.1499A>G on transcript NM_006947.4 (MANE Select); coding-DNA position 1499, A replaced by G.
Protein change: p.Lys500Arg; replaces lysine 500 with arginine.
Molecular consequence: missense variant. On other transcripts: non-coding transcript variant (1).
Genome position (GRCh38, 1-based): chr4:56,490,642, A>G. VCF-style: chr4-56490642-A-G. GRCh37 (hg19) VCF-style: chr4-57356808-A-G.
Other names: c.1316A>G, p.Lys439Arg (NM_001267722.2); short protein forms K500R, K439R.
Identifiers: ClinVar variation 3801438 (VCV003801438.1).